The following is an entry in ClinVar:

ClinVar aggregate classification (germline): Likely benign. Review status: criteria provided, multiple submitters, no conflicts (2 of 4 stars). 3 submissions from 3 submitters: Likely benign (3). Last evaluated 2025-07-09.

Conditions:
Lynch syndrome 4 (LYNCH4). Also called: Hereditary non-polyposis colorectal cancer, type 4; Colorectal cancer, hereditary nonpolyposis, type 4. Identifiers: Orphanet 144, MedGen C1838333, MONDO:0013699, OMIM 614337. Disease mechanism: loss of function.
Hereditary nonpolyposis colorectal neoplasms. Identifiers: MedGen C0009405, MeSH D003123.

Submissions (3):

Labcorp Genetics (formerly Invitae), Labcorp
Classification: Likely benign for Hereditary nonpolyposis colorectal neoplasms. Last evaluated: 2025-07-09. Review status: criteria provided, single submitter. Criteria: Invitae Variant Classification Sherloc (09022015). Collection method: clinical testing. Allele origin: germline.

Myriad Genetics, Inc.
Classification: Likely benign for Lynch syndrome 4. Last evaluated: 2025-01-23. Review status: criteria provided, single submitter. Criteria: Myriad Autosomal Dominant, Autosomal Recessive and X-Linked Classification Criteria (2023). Collection method: clinical testing. Allele origin: unknown.
Comment: This variant is considered likely benign. This variant is intronic and is not expected to impact mRNA splicing.

GeneDx
Classification: Likely benign. Last evaluated: 2019-06-10. Review status: criteria provided, single submitter. Criteria: GeneDx Variant Classification Process June 2021. Collection method: clinical testing. Allele origin: germline. Affected: yes.

NM_000535.7(PMS2):c.164-11A>C

Gene: PMS2 (PMS1 homolog 2, mismatch repair system component; minus strand). Cytogenetic location: 7p22.1.
Variant type: single nucleotide variant.
Coding change: c.164-11A>C on transcript NM_000535.7 (MANE Select); 11 bases into the intron before coding-DNA position 164, A replaced by C.
Molecular consequence: intron variant.
Genome position (GRCh38, 1-based): chr7:6,004,069, T>G on the plus strand (A>C on the coding strand, the complement: PMS2 is on the minus strand). VCF-style: chr7-6004069-T-G. GRCh37 (hg19) VCF-style: chr7-6043700-T-G.
Other names: c.-52-11A>C (NM_001322008.2, NM_001322007.2); c.-242-11A>C (NM_001322010.2, NM_001322004.2, NM_001322013.2 and 3 more transcripts); c.-721-11A>C (NM_001322012.2, NM_001322011.2); c.-321-11A>C (NM_001322015.2); c.164-11A>C (NM_001322006.2, NM_001322014.2).
Identifiers: ClinVar variation 1209387 (VCV001209387.9), dbSNP rs763662038, ClinGen allele CA2499218989.